The following is an entry in ClinVar:

NM_000432.4(MYL2):c.253A>G (p.Met85Val)

Gene: MYL2 (myosin light chain 2; minus strand). Cytogenetic location: 12q24.11.
Variant type: single nucleotide variant.
Coding change: c.253A>G on transcript NM_000432.4 (MANE Select); coding-DNA position 253, A replaced by G.
Protein change: p.Met85Val; replaces methionine 85 with valine.
Molecular consequence: missense variant.
Genome position (GRCh38, 1-based): chr12:110,914,207, T>C on the plus strand (A>G on the coding strand, the complement: MYL2 is on the minus strand). VCF-style: chr12-110914207-T-C. GRCh37 (hg19) VCF-style: chr12-111352011-T-C.
Other names: short protein forms M85V.
Identifiers: ClinVar variation 644658 (VCV000644658.13), dbSNP rs1592800281, ClinGen allele CA386698686.

ClinVar aggregate classification (germline): Uncertain significance. Review status: criteria provided, multiple submitters, no conflicts (2 of 4 stars). 2 submissions from 2 submitters: Uncertain significance (2). Last evaluated 2025-07-07.

Conditions:
Hypertrophic cardiomyopathy 10. Also called: MYL2-Related Familial Hypertrophic Cardiomyopathy; CARDIOMYOPATHY, HYPERTROPHIC, MID-LEFT VENTRICULAR CHAMBER TYPE, 2. Identifiers: MedGen C1834460, MONDO:0012112, OMIM 608758.
Cardiovascular phenotype. Identifiers: MedGen CN230736.

Submissions (2):

Ambry Genetics
Classification: Uncertain significance for Cardiovascular phenotype. Last evaluated: 2025-07-07. Review status: criteria provided, single submitter. Criteria: Ambry Variant Classification Scheme 2023. Collection method: clinical testing. Allele origin: germline.
Comment: The p.M85V variant (also known as c.253A>G), located in coding exon 4 of the MYL2 gene, results from an A to G substitution at nucleotide position 253. The methionine at codon 85 is replaced by valine, an amino acid with highly similar properties. This amino acid position is highly conserved in available vertebrate species. In addition, this alteration is predicted to be deleterious by in silico analysis. Based on the available evidence, the clinical significance of this variant remains unclear.

Labcorp Genetics (formerly Invitae), Labcorp
Classification: Uncertain significance for Hypertrophic cardiomyopathy 10. Last evaluated: 2022-03-23. Review status: criteria provided, single submitter. Criteria: Invitae Variant Classification Sherloc (09022015). Collection method: clinical testing. Allele origin: germline.
Comment: This sequence change replaces methionine, which is neutral and non-polar, with valine, which is neutral and non-polar, at codon 85 of the MYL2 protein (p.Met85Val). This variant has not been reported in the literature in individuals affected with MYL2-related conditions. This variant is not present in population databases (gnomAD no frequency). In summary, the available evidence is currently insufficient to determine the role of this variant in disease. Therefore, it has been classified as a Variant of Uncertain Significance. Algorithms developed to predict the effect of sequence changes on RNA splicing suggest that this variant may create or strengthen a splice site. Algorithms developed to predict the effect of missense changes on protein structure and function are either unavailable or do not agree on the potential impact of this missense change (SIFT: "Deleterious"; PolyPhen-2: "Benign"; Align-GVGD: "Class C0"). ClinVar contains an entry for this variant (Variation ID: 644658).